The following is an entry in ClinVar:

NM_025145.7(CFAP43):c.1548_1554del (p.Val517fs)

Gene: CFAP43 (cilia and flagella associated protein 43; minus strand). Cytogenetic location: 10q25.1.
Variant type: Deletion.
Coding change: c.1548_1554del on transcript NM_025145.7 (MANE Select); coding-DNA positions 1548 to 1554, 7 bases deleted (GGTGGCC; older notation c.1548_1554delGGTGGCC).
Protein change: p.Val517fs; shifts the reading frame from valine 517.
Molecular consequence: frameshift variant.
Genome position (GRCh38, 1-based): chr10:104,188,403-104,188,409, GGCCACC deleted on the plus strand (GGTGGCC on the coding strand, the reverse complement: CFAP43 is on the minus strand). VCF-style (leftmost placement, unchanged base first): chr10-104188402-TGGCCACC-T. GRCh37 (hg19) VCF-style: chr10-105948160-TGGCCACC-T.
Other names: short protein forms V517fs.
Identifiers: ClinVar variation 4880155 (VCV004880155.1).
Genomic context (GRCh38, chr10:104,188,402, plus strand): 5'-CCATCACTTCCACTATGTCTGTTTCTAAAAGAGACACTGTGGATATCTGTAAAATGTCTT[TGGCCACC>T]TCTGAAAGCAAACAGAGATCAACACCACAAGTGGTCATTGATAAGTTTAAATGATCTTTT-3'

ClinVar aggregate classification (germline): Likely pathogenic (1 of 4 stars; one submission).

Conditions:
Primary ciliary dyskinesia. Also called: Ciliary dyskinesia. Identifiers: Orphanet 244, MedGen C0008780, MONDO:0016575, HP:0012265.

Submission:

Department of Human Genetics, Hannover Medical School
Classification: Likely pathogenic for Primary Ciliary Dyskinesia. Last evaluated: 2026-04-01. Review status: criteria provided, single submitter. Criteria: ACMG Guidelines, 2015. Collection method: research. Allele origin: germline. Affected: no.
Comment: Classification performed by HerediClassify using the following criteria:['PM2_supporting: Variant occures does not occur as homozygous in gnomAD.', 'PVS1_protein_very_strong: Transcript ENST00000357060 is predicted to undergo NMD.']